The following is an entry in ClinVar:

ClinVar aggregate classification (germline): Uncertain significance (1 of 4 stars; one submission).

Submission:

Labcorp Genetics (formerly Invitae), Labcorp
Classification: Uncertain significance. Last evaluated: 2022-05-30. Review status: criteria provided, single submitter. Criteria: Invitae Variant Classification Sherloc (09022015). Collection method: clinical testing. Allele origin: germline.
Comment: This sequence change replaces valine, which is neutral and non-polar, with glycine, which is neutral and non-polar, at codon 2097 of the MYO18B protein (p.Val2097Gly). This variant is not present in population databases (gnomAD no frequency). This variant has not been reported in the literature in individuals affected with MYO18B-related conditions. Algorithms developed to predict the effect of missense changes on protein structure and function are either unavailable or do not agree on the potential impact of this missense change (SIFT: "Not Available"; PolyPhen-2: "Benign"; Align-GVGD: "Not Available"). Algorithms developed to predict the effect of sequence changes on RNA splicing suggest that this variant may disrupt the consensus splice site. In summary, the available evidence is currently insufficient to determine the role of this variant in disease. Therefore, it has been classified as a Variant of Uncertain Significance.

NM_032608.7(MYO18B):c.6290T>G (p.Val2097Gly)

Gene: MYO18B (myosin XVIIIB; plus strand). Cytogenetic location: 22q12.1.
Variant type: single nucleotide variant.
Coding change: c.6290T>G on transcript NM_032608.7 (MANE Select); coding-DNA position 6290, T replaced by G.
Protein change: p.Val2097Gly; replaces valine 2097 with glycine.
Molecular consequence: missense variant.
Genome position (GRCh38, 1-based): chr22:26,003,267, T>G. VCF-style: chr22-26003267-T-G. GRCh37 (hg19) VCF-style: chr22-26399233-T-G.
Other names: c.6293T>G, p.Val2098Gly (NM_001318245.2); short protein forms V2097G, V2098G.
Identifiers: ClinVar variation 1926850 (VCV001926850.5), dbSNP rs2518315481, ClinGen allele CA411006897.